The following is an entry in ClinVar:

ClinVar aggregate classification (germline): Likely pathogenic (3 of 4 stars; one submission).

Conditions:
RPE65-related recessive retinopathy. Also called: Recessive RPE65 retinopathy. Identifiers: MedGen CN305526, MONDO:0100368.

Submission:

ClinGen Leber Congenital Amaurosis/early Onset Retinal Dystrophy Variant Curation Expert Panel, ClinGen
Classification: Likely pathogenic for RPE65-related recessive retinopathy. Last evaluated: 2026-09-22. Review status: reviewed by expert panel. Criteria: ClinGen LCAeoRD ACMG Specifications RPE65 V1.0.0. Collection method: curation. Allele origin: germline. Inheritance: Autosomal recessive inheritance.
Comment: NM_000329.3(RPE65):c.1253T>A is a missense variant predicted to replace phenylalanine with tyrosine at position 418. This variant is absent from gnomAD v4.1.1 (PM2_Supporting). This variant has been reported in at least 1 proband with early-onset severe retinal dystrophy who was compound heterozygous with the NM_000329.3(RPE65):c.997G>C (p.Gly333Arg) variant confirmed in trans, which was previously classified as likely pathogenic by the ClinGen LCA / eoRD VCEP (1 point, PMID: 34830511, PM3). At least one proband harboring this variant exhibits a phenotype including congenital night blindness (0.5 pt), symptomatic onset between birth and age five years (1 pt), decreased central visual acuity (1 pt), nystagmus (1 pt), macular dystrophy (0.5 pt), and absent ERG responses from rods (0.5 pt) and cones (1 pt), which together are specific for RPE65-related recessive retinopathy (5.5 points, PMID: 34830511, PP4). The computational predictor REVEL gives a score of 0.895, which is above the ClinGen LCA / eoRD VCEP threshold of ≥0.773 and predicts a damaging effect on RPE65 function (PP3_Moderate). The variant exhibited 0% enzymatic activity in a retinoid isomerase assay relative to the wild-type control, which is lower than the ClinGen LCA / eoRD PS3_Supporting threshold of <10% activity, indicating that it triggers a severe defect in protein function (PS3_Supporting, PMID: 22745121). In summary, this variant meets the criteria to be classified as likely pathogenic for RPE65-related recessive retinopathy based on the ACMG/AMP criteria applied, as specified by the ClinGen LCA / eoRD VCEP: PS3_Supporting, PM2_Supporting, PM3, PP3_Moderate, and PP4. (VCEP specifications version 1.0.0.).

NM_000329.3(RPE65):c.1253T>A (p.Phe418Tyr)

Gene: RPE65 (retinoid isomerohydrolase RPE65; minus strand). Cytogenetic location: 1p31.3.
Variant type: single nucleotide variant.
Coding change: c.1253T>A on transcript NM_000329.3 (MANE Select); coding-DNA position 1253, T replaced by A.
Protein change: p.Phe418Tyr; replaces phenylalanine 418 with tyrosine.
Molecular consequence: missense variant.
Genome position (GRCh38, 1-based): chr1:68,431,367, A>T on the plus strand (T>A on the coding strand, the complement: RPE65 is on the minus strand). VCF-style: chr1-68431367-A-T. GRCh37 (hg19) VCF-style: chr1-68897050-A-T.
Other names: NM_000329.3:c.1253T>A; NM_000329.3(RPE65):c.1253T>A; p.Phe418Tyr; c.1145T>A, p.Phe382Tyr (NM_001406853.1); c.977T>A, p.Phe326Tyr (NM_001406856.1, NM_001406857.1); short protein forms F326Y, F382Y, F418Y.
Identifiers: ClinVar variation 3233354 (VCV003233354.2), dbSNP rs2523403024, ClinGen allele CA340742683.
Genomic context (GRCh38, chr1:68,431,367, plus strand): 5'-CCAAGTCCATACGCATATGTGTAAGGTTTCCCACAATACTTCTGGTAATTGATTTGAGGA[A>T]ACTCAAATGCTACGAAATAGAGCACATGCTTAGGAAAACTCTTAATCTCTTTGAAAGAAA-3'
Protein context (NP_000320.1, residues 408-428): LFSGPRQAFE[Phe418Tyr]PQINYQKYCG